The following is an entry in ClinVar:

ClinVar aggregate classification (germline): Uncertain significance (1 of 4 stars; one submission).

Conditions:
Cryopyrin associated periodic syndrome (CAPS). Identifiers: Orphanet 208650, MedGen C2316212, MONDO:0016168.

Allele frequency attached by ClinVar (database versions not stated): gnomAD exomes below 0.00001 and 0.00001; ExAC 0.00001.
gnomAD v4.1: 8 of 1,614,158 alleles (0.0005%); highest among the groups gnomAD compares: South Asian, 0.0022%; no homozygotes.

Submission:

Labcorp Genetics (formerly Invitae), Labcorp
Classification: Uncertain significance for Cryopyrin associated periodic syndrome. Last evaluated: 2022-10-23. Review status: criteria provided, single submitter. Criteria: Invitae Variant Classification Sherloc (09022015). Collection method: clinical testing. Allele origin: germline.
Comment: In summary, the available evidence is currently insufficient to determine the role of this variant in disease. Therefore, it has been classified as a Variant of Uncertain Significance. Advanced modeling of protein sequence and biophysical properties (such as structural, functional, and spatial information, amino acid conservation, physicochemical variation, residue mobility, and thermodynamic stability) performed at Invitae indicates that this missense variant is not expected to disrupt NLRP3 protein function. ClinVar contains an entry for this variant (Variation ID: 1365962). This variant has not been reported in the literature in individuals affected with NLRP3-related conditions. This variant is present in population databases (rs771954069, gnomAD 0.003%). This sequence change replaces methionine, which is neutral and non-polar, with isoleucine, which is neutral and non-polar, at codon 988 of the NLRP3 protein (p.Met988Ile).

NM_001243133.2(NLRP3):c.2958G>A (p.Met986Ile)

Gene: NLRP3 (NLR family pyrin domain containing 3; plus strand). Cytogenetic location: 1q44.
Variant type: single nucleotide variant.
Coding change: c.2958G>A on transcript NM_001243133.2 (MANE Select); coding-DNA position 2958, G replaced by A.
Protein change: p.Met986Ile; replaces methionine 986 with isoleucine.
Molecular consequence: missense variant.
Genome position (GRCh38, 1-based): chr1:247,444,774, G>A. VCF-style: chr1-247444774-G-A. GRCh37 (hg19) VCF-style: chr1-247608076-G-A.
Other names: c.2958G>A, p.Met986Ile (NM_001079821.3); c.2787G>A, p.Met929Ile (NM_001127461.3, NM_001127462.3); c.2964G>A, p.Met988Ile (NM_004895.5); c.2616G>A, p.Met872Ile (NM_183395.3); short protein forms M872I, M988I, M929I, M986I.
Identifiers: ClinVar variation 1365962 (VCV001365962.8), dbSNP rs771954069, ClinGen allele CA1495404.